The following is an entry in ClinVar:

ClinVar aggregate classification (germline): Uncertain significance (1 of 4 stars; one submission).

Conditions:
Hereditary cancer-predisposing syndrome. Also called: Hereditary Cancer Syndrome; Hereditary neoplastic syndrome; Neoplastic Syndromes, Hereditary; Tumor predisposition. Identifiers: Orphanet 140162, MedGen C0027672, MeSH D009386, MONDO:0015356.

Submission:

Ambry Genetics
Classification: Uncertain significance for Hereditary cancer-predisposing syndrome. Last evaluated: 2025-06-25. Review status: criteria provided, single submitter. Criteria: Ambry Variant Classification Scheme 2023. Collection method: clinical testing. Allele origin: germline.
Comment: The p.K2673E variant (also known as c.8017A>G), located in coding exon 17 of the BRCA2 gene, results from an A to G substitution at nucleotide position 8017. The lysine at codon 2673 is replaced by glutamic acid, an amino acid with similar properties. Two saturation genome editing-based studies, including a haploid cell-survival assay and a humanized mouse embryonic stem cell line assay of drug response and survival, demonstrate that this nucleotide substitution may be functional; however, additional evidence is needed to confirm these findings (Huang H et al. Nature. 2025 Feb;638(8050):528-537; Sahu S et al. Nature. 2025 Feb;638(8050):538-545). This amino acid position is not well conserved in available vertebrate species. In addition, the in silico prediction for this alteration is inconclusive. Based on the available evidence, the clinical significance of this variant remains unclear.

Literature cited by the submitters: PubMed 39779848; PubMed 39779857.

NM_000059.4(BRCA2):c.8017A>G (p.Lys2673Glu)

Gene: BRCA2 (BRCA2 DNA repair associated; plus strand). Cytogenetic location: 13q13.1.
Variant type: single nucleotide variant.
Coding change: c.8017A>G on transcript NM_000059.4 (MANE Select); coding-DNA position 8017, A replaced by G.
Protein change: p.Lys2673Glu; replaces lysine 2673 with glutamic acid.
Molecular consequence: missense variant. On other transcripts: non-coding transcript variant (1).
Genome position (GRCh38, 1-based): chr13:32,363,219, A>G. VCF-style: chr13-32363219-A-G. GRCh37 (hg19) VCF-style: chr13-32937356-A-G.
Other names: c.7921A>G, p.Lys2641Glu (NM_001406719.1); c.8017A>G, p.Lys2673Glu (NM_001406720.1, NM_001432077.1); c.3085A>G, p.Lys1029Glu (NM_001406721.1); c.1600A>G, p.Lys534Glu (NM_001406722.1); short protein forms K1029E, K2641E, K2673E, K534E.
Identifiers: ClinVar variation 4215842 (VCV004215842.1).